The following is an entry in ClinVar:

NM_000426.4(LAMA2):c.3697T>C (p.Phe1233Leu)

Gene: LAMA2 (laminin subunit alpha 2; plus strand). Cytogenetic location: 6q22.33.
Variant type: single nucleotide variant.
Coding change: c.3697T>C on transcript NM_000426.4 (MANE Select); coding-DNA position 3697, T replaced by C.
Protein change: p.Phe1233Leu; replaces phenylalanine 1233 with leucine.
Molecular consequence: missense variant.
Genome position (GRCh38, 1-based): chr6:129,315,617, T>C. VCF-style: chr6-129315617-T-C. GRCh37 (hg19) VCF-style: chr6-129636762-T-C.
Other names: c.3697T>C, p.Phe1233Leu (NM_001079823.2); short protein forms F1233L.
Identifiers: ClinVar variation 2144139 (VCV002144139.3), dbSNP rs1774540665, ClinGen allele CA365613056.

ClinVar aggregate classification (germline): Uncertain significance. Review status: criteria provided, multiple submitters, no conflicts (2 of 4 stars). 2 submissions from 2 submitters: Uncertain significance (2). Last evaluated 2025-09-23.

Conditions:
Inborn genetic diseases. Identifiers: MedGen C0950123, MeSH D030342.
LAMA2-related muscular dystrophy (LAMA2-RD). Also called: Laminin alpha 2-related dystrophy. Identifiers: MedGen C5679788, MONDO:0100228.

Allele frequency attached by ClinVar (database versions not stated): gnomAD exomes below 0.00001; gnomAD 0.00001.
gnomAD v4.1: 2 of 1,614,044 alleles (0.00012%); highest among the groups gnomAD compares: Non-Finnish European, 0.00017%; no homozygotes.

Submissions (2):

Labcorp Genetics (formerly Invitae), Labcorp
Classification: Uncertain significance for LAMA2-related muscular dystrophy. Last evaluated: 2025-09-23. Review status: criteria provided, single submitter. Criteria: Invitae Variant Classification Sherloc (09022015). Collection method: clinical testing. Allele origin: germline.
Comment: This sequence change replaces phenylalanine, which is neutral and non-polar, with leucine, which is neutral and non-polar, at codon 1233 of the LAMA2 protein (p.Phe1233Leu). This variant is not present in population databases (gnomAD no frequency). This variant has not been reported in the literature in individuals affected with LAMA2-related conditions. ClinVar contains an entry for this variant (Variation ID: 2144139). Invitae Evidence Modeling of protein sequence and biophysical properties (such as structural, functional, and spatial information, amino acid conservation, physicochemical variation, residue mobility, and thermodynamic stability) indicates that this missense variant is not expected to disrupt LAMA2 protein function with a negative predictive value of 95%. In summary, the available evidence is currently insufficient to determine the role of this variant in disease. Therefore, it has been classified as a Variant of Uncertain Significance.

Ambry Genetics
Classification: Uncertain significance for Inborn genetic diseases. Last evaluated: 2024-09-30. Review status: criteria provided, single submitter. Criteria: Ambry Variant Classification Scheme 2023. Collection method: clinical testing. Allele origin: germline.